The following is an entry in ClinVar:

NM_213653.4(HJV):c.1097T>A (p.Leu366Ter)

Gene: HJV (hemojuvelin BMP co-receptor; minus strand). Cytogenetic location: 1q21.1.
Variant type: single nucleotide variant.
Coding change: c.1097T>A on transcript NM_213653.4 (MANE Select); coding-DNA position 1097, T replaced by A.
Protein change: p.Leu366Ter; replaces leucine 366 with a stop codon.
Molecular consequence: nonsense.
Genome position (GRCh38, 1-based): chr1:146,018,261, A>T on the plus strand (T>A on the coding strand, the complement: HJV is on the minus strand). VCF-style: chr1-146018261-A-T. GRCh37 (hg19) VCF-style: chr1-145416752-T-A.
Other names: c.419T>A, p.Leu140Ter (NM_001316767.2, NM_202004.4, NM_213652.4); c.1097T>A, p.Leu366Ter (NM_001379352.1); c.758T>A, p.Leu253Ter (NM_145277.5); short protein forms L140*, L253*, L366*.
Identifiers: ClinVar variation 965344 (VCV000965344.9), dbSNP rs1205047449, ClinGen allele CA342132968.

ClinVar aggregate classification (germline): Pathogenic. Review status: criteria provided, multiple submitters, no conflicts (2 of 4 stars). 3 submissions from 3 submitters: Pathogenic (2). 1 of the submissions does not count toward it. Last evaluated 2024-04-15.

Conditions:
Hemochromatosis type 2A (HFE2A). Also called: HJV (HFE2)-Related Juvenile Hemochromatosis; Adult-Onset Hemochromatosis. Identifiers: Orphanet 79230, MedGen C1865614, MONDO:0011216, OMIM 602390.

Allele frequency attached by ClinVar (database versions not stated): gnomAD exomes below 0.00001; gnomAD 0.00002; TOPMed 0.00002.

Submissions (3):

Fulgent Genetics
Classification: Pathogenic for Hemochromatosis type 2A. Last evaluated: 2024-04-15. Review status: criteria provided, single submitter. Criteria: ACMG Guidelines, 2015. Collection method: clinical testing. Allele origin: germline.

Labcorp Genetics (formerly Invitae), Labcorp
Classification: Pathogenic. Last evaluated: 2022-06-22. Review status: criteria provided, single submitter. Criteria: Invitae Variant Classification Sherloc (09022015). Collection method: clinical testing. Allele origin: germline.
Comment: For these reasons, this variant has been classified as Pathogenic. This variant disrupts a region of the HJV protein in which other variant(s) (p.Arg385*) have been determined to be pathogenic (PMID: 14982873, 30389309). This suggests that this is a clinically significant region of the protein, and that variants that disrupt it are likely to be disease-causing. ClinVar contains an entry for this variant (Variation ID: 965344). This premature translational stop signal has been observed in individual(s) with hereditary hemochromatosis (PMID: 27753142). This variant is not present in population databases (gnomAD no frequency). This sequence change creates a premature translational stop signal (p.Leu366*) in the HJV gene. While this is not anticipated to result in nonsense mediated decay, it is expected to disrupt the last 61 amino acid(s) of the HJV protein.

Natera, Inc.
Classification: Pathogenic for Hemochromatosis type 2A. Last evaluated: 2021-08-10. Review status: no assertion criteria provided. Collection method: clinical testing. Allele origin: germline. Not counted in ClinVar's aggregate classification.

Literature cited by the submitters: PubMed 14982873 (cited by Labcorp Genetics (formerly Invitae), Labcorp); PubMed 30389309 (cited by Labcorp Genetics (formerly Invitae), Labcorp); PubMed 27753142 (cited by Labcorp Genetics (formerly Invitae), Labcorp).